The following is an entry in ClinVar:

ClinVar aggregate classification (germline): Uncertain significance (1 of 4 stars; one submission).

Conditions:
Developmental and epileptic encephalopathy, 11 (DEE11). Also called: Early infantile epileptic encephalopathy 11. Identifiers: Orphanet 1934, MedGen C3150987, MONDO:0013388, OMIM 613721.
Seizures, benign familial infantile, 3 (BFIS3). Also called: CONVULSIONS, BENIGN FAMILIAL INFANTILE, 3; Familial neonatal seizures. Identifiers: Orphanet 140927, Orphanet 306, MedGen C1843140, MONDO:0011904, OMIM 607745.

Submission:

Labcorp Genetics (formerly Invitae), Labcorp
Classification: Uncertain significance for Seizures, benign familial infantile, 3; Developmental and epileptic encephalopathy, 11. Last evaluated: 2024-04-01. Review status: criteria provided, single submitter. Criteria: Invitae Variant Classification Sherloc (09022015). Collection method: clinical testing. Allele origin: germline.
Comment: This sequence change replaces asparagine, which is neutral and polar, with serine, which is neutral and polar, at codon 1835 of the SCN2A protein (p.Asn1835Ser). This variant is not present in population databases (gnomAD no frequency). This variant has not been reported in the literature in individuals affected with SCN2A-related conditions. Advanced modeling of protein sequence and biophysical properties (such as structural, functional, and spatial information, amino acid conservation, physicochemical variation, residue mobility, and thermodynamic stability) performed at Invitae indicates that this missense variant is expected to disrupt SCN2A protein function with a positive predictive value of 95%. In summary, the available evidence is currently insufficient to determine the role of this variant in disease. Therefore, it has been classified as a Variant of Uncertain Significance.

NM_001040142.2(SCN2A):c.5504A>G (p.Asn1835Ser)

Gene: SCN2A (sodium voltage-gated channel alpha subunit 2; plus strand). Cytogenetic location: 2q24.3.
Variant type: single nucleotide variant.
Coding change: c.5504A>G on transcript NM_001040142.2 (MANE Select); coding-DNA position 5504, A replaced by G.
Protein change: p.Asn1835Ser; replaces asparagine 1835 with serine.
Molecular consequence: missense variant.
Genome position (GRCh38, 1-based): chr2:165,389,310, A>G. VCF-style: chr2-165389310-A-G. GRCh37 (hg19) VCF-style: chr2-166245820-A-G.
Other names: c.5504A>G, p.Asn1835Ser (NM_001040143.2, NM_001371246.1, NM_001371247.1 and 1 more transcripts); short protein forms N1835S.
Identifiers: ClinVar variation 3753676 (VCV003753676.2).
Genomic context (GRCh38, chr2:165,389,310, plus strand): 5'-TTGCCAAACTTTCTGATTTTGCAGATGCCCTGGATCCTCCTCTTCTCATAGCAAAACCCA[A>G]CAAAGTCCAGCTCATTGCCATGGATCTGCCCATGGTGAGTGGTGACCGGATCCACTGTCT-3'
Protein context (NP_001035232.1, residues 1825-1845): LDPPLLIAKP[Asn1835Ser]KVQLIAMDLP